The following is an entry in ClinVar:

NM_001048166.1(STIL):c.3752C>T (p.Thr1251Ile)

Gene: STIL (STIL centriolar assembly protein; minus strand). Cytogenetic location: 1p33.
Variant type: single nucleotide variant.
Coding change: c.3752C>T on transcript NM_001048166.1 (MANE Select); coding-DNA position 3752, C replaced by T.
Protein change: p.Thr1251Ile; replaces threonine 1251 with isoleucine.
Molecular consequence: missense variant.
Genome position (GRCh38, 1-based): chr1:47,251,251, G>A on the plus strand (C>T on the coding strand, the complement: STIL is on the minus strand). VCF-style: chr1-47251251-G-A. GRCh37 (hg19) VCF-style: chr1-47716923-G-A.
Other names: c.3749C>T, p.Thr1250Ile (NM_001282936.1, NM_003035.2); c.3698C>T, p.Thr1233Ile (NM_001282937.1); c.3611C>T, p.Thr1204Ile (NM_001282938.1, NM_001377417.1); c.3557C>T, p.Thr1186Ile (NM_001282939.1); short protein forms T1186I, T1204I, T1233I, T1250I, T1251I.
Identifiers: ClinVar variation 1314009 (VCV001314009.3), dbSNP rs1390893324, ClinGen allele CA340245417.
Genomic context (GRCh38, chr1:47,251,251, plus strand): 5'-GAATTCATGCTATTCATCTGCTTTAGCGTTTCAGAAGGTTGCAAACTTTCAGGAAAAATT[G>A]TAATGTCCCCTTCATTTTCTTTCTCAGGATGTTGAGTGAACTCTGCTTTCCCGGTTCGAA-3'
Protein context (NP_001041631.1, residues 1241-1261): HPEKENEGDI[Thr1251Ile]IFPESLQPSE

ClinVar aggregate classification (germline): Uncertain significance. Review status: criteria provided, multiple submitters, no conflicts (2 of 4 stars). 2 submissions from 2 submitters: Uncertain significance (2). Last evaluated 2025-01-10.

Conditions:
Inborn genetic diseases. Identifiers: MedGen C0950123, MeSH D030342.

Allele frequency attached by ClinVar (database versions not stated): gnomAD 0.00001; TOPMed 0.00001; gnomAD exomes below 0.00001.
gnomAD v4.1: 2 of 1,612,024 alleles (0.00012%); highest among the groups gnomAD compares: Admixed American, 0.0033%; no homozygotes.

Submissions (2):

Ambry Genetics
Classification: Uncertain significance for Inborn genetic diseases. Last evaluated: 2025-01-10. Review status: criteria provided, single submitter. Criteria: Ambry Variant Classification Scheme 2023. Collection method: clinical testing. Allele origin: germline.

GeneDx
Classification: Uncertain significance. Last evaluated: 2021-01-12. Review status: criteria provided, single submitter. Criteria: GeneDx Variant Classification Process June 2021. Collection method: clinical testing. Allele origin: germline. Affected: yes.
Comment: Has not been previously published as pathogenic or benign to our knowledge; Not observed at a significant frequency in large population cohorts (Lek et al., 2016); In silico analysis supports that this missense variant does not alter protein structure/function